The following is an entry in ClinVar:

NM_002191.4(INHA):c.531C>T (p.Ala177=)

Gene: INHA (inhibin subunit alpha; plus strand). Cytogenetic location: 2q35.
Variant type: single nucleotide variant.
Coding change: c.531C>T on transcript NM_002191.4 (MANE Select); coding-DNA position 531, C replaced by T.
Protein change: p.Ala177=; no amino-acid change (alanine 177 retained).
Molecular consequence: synonymous variant.
Genome position (GRCh38, 1-based): chr2:219,574,956, C>T. VCF-style: chr2-219574956-C-T. GRCh37 (hg19) VCF-style: chr2-220439678-C-T.
Identifiers: ClinVar variation 3055288 (VCV003055288.2), dbSNP rs12720063, ClinGen allele CA2132001.

ClinVar aggregate classification (germline): Benign (0 of 4 stars; one submission).

Conditions:
INHA-related disorder. Also called: INHA-related condition.

Allele frequency attached by ClinVar (database versions not stated): 1000 Genomes Project 0.15335; 1000 Genomes Project 30x 0.15803; ESP Exome Variant Server 0.17384; gnomAD 0.17613; TOPMed 0.17950; ExAC 0.18123; gnomAD exomes 0.19819.

Submission:

PreventionGenetics, part of Exact Sciences
Classification: Benign for INHA-related condition. Last evaluated: 2019-10-21. Review status: no assertion criteria provided. Collection method: clinical testing. Allele origin: germline.
Comment: This variant is classified as benign based on ACMG/AMP sequence variant interpretation guidelines (Richards et al. 2015 PMID: 25741868, with internal and published modifications).